The following is an entry in ClinVar:

ClinVar aggregate classification (germline): Uncertain significance (1 of 4 stars; one submission).

Conditions:
Developmental and epileptic encephalopathy 94 (DEE94). Also called: CHD2-Related Neurodevelopmental Disorders; Epileptic encephalopathy, childhood-onset. Identifiers: Orphanet 1942, Orphanet 2382, MedGen C3809278, MONDO:0014150, OMIM 615369.

Allele frequency attached by ClinVar (database versions not stated): TOPMed below 0.00001; gnomAD 0.00001; gnomAD exomes 0.00001; ExAC 0.00002.
gnomAD v4.1: 1 of 1,613,948 alleles (0.000062%); highest among the groups gnomAD compares: African/African-American, 0.0013%; no homozygotes.

Submission:

Labcorp Genetics (formerly Invitae), Labcorp
Classification: Uncertain significance for Developmental and epileptic encephalopathy 94. Last evaluated: 2020-02-17. Review status: criteria provided, single submitter. Criteria: Invitae Variant Classification Sherloc (09022015). Collection method: clinical testing. Allele origin: germline.
Comment: This sequence change replaces histidine with leucine at codon 1684 of the CHD2 protein (p.His1684Leu). The histidine residue is moderately conserved and there is a moderate physicochemical difference between histidine and leucine. In summary, the available evidence is currently insufficient to determine the role of this variant in disease. Therefore, it has been classified as a Variant of Uncertain Significance. Algorithms developed to predict the effect of missense changes on protein structure and function are either unavailable or do not agree on the potential impact of this missense change (SIFT: "Deleterious"; PolyPhen-2: "Benign"; Align-GVGD: "Class C0"). This variant has not been reported in the literature in individuals with CHD2-related conditions. This variant is present in population databases (rs770784804, ExAC 0.02%).

NM_001271.4(CHD2):c.5051A>T (p.His1684Leu)

Gene: CHD2 (chromodomain helicase DNA binding protein 2; plus strand). Cytogenetic location: 15q26.1.
Variant type: single nucleotide variant.
Coding change: c.5051A>T on transcript NM_001271.4 (MANE Select); coding-DNA position 5051, A replaced by T.
Protein change: p.His1684Leu; replaces histidine 1684 with leucine.
Molecular consequence: missense variant.
Genome position (GRCh38, 1-based): chr15:93,020,156, A>T. VCF-style: chr15-93020156-A-T. GRCh37 (hg19) VCF-style: chr15-93563386-A-T.
Other names: short protein forms H1684L.
Identifiers: ClinVar variation 1039970 (VCV001039970.11), dbSNP rs770784804, ClinGen allele CA7748634.
Genomic context (GRCh38, chr15:93,020,156, plus strand): 5'-AGTATGAGCAGCACTGGTACAAGGACCACCATTATGGGGACCGGCGACATATGGATGCCC[A>T]CCGTTCCGGAAGCTATCGACCCAACAACATGTCCAGAAAGAGGCCTTATGACCAGTACAG-3'
Protein context (NP_001262.3, residues 1674-1694): HYGDRRHMDA[His1684Leu]RSGSYRPNNM